The following is an entry in ClinVar:

NM_001195263.2(PDZD7):c.1717G>A (p.Glu573Lys)

Gene: PDZD7 (PDZ domain containing 7; minus strand). Cytogenetic location: 10q24.31.
Variant type: single nucleotide variant.
Coding change: c.1717G>A on transcript NM_001195263.2 (MANE Select); coding-DNA position 1717, G replaced by A.
Protein change: p.Glu573Lys; replaces glutamic acid 573 with lysine.
Molecular consequence: missense variant.
Genome position (GRCh38, 1-based): chr10:101,015,668, C>T on the plus strand (G>A on the coding strand, the complement: PDZD7 is on the minus strand). VCF-style: chr10-101015668-C-T. GRCh37 (hg19) VCF-style: chr10-102775425-C-T.
Other names: c.1714G>A, p.Glu572Lys (NM_001437429.1); short protein forms E573K, E572K.
Identifiers: ClinVar variation 4986230 (VCV004986230.1).

ClinVar aggregate classification (germline): Uncertain significance (1 of 4 stars; one submission).

Conditions:
PDZD7-related disorder. Also called: PDZD7-related condition; PDZD7-related disorders.

gnomAD v4.1: 8 of 1,550,412 alleles (0.00052%); highest among the groups gnomAD compares: East Asian, 0.0024%; no homozygotes.

Submission:

PreventionGenetics, part of Exact Sciences
Classification: Uncertain significance for PDZD7-related condition. Last evaluated: 2025-12-23. Review status: criteria provided, single submitter. Criteria: ACMG Guidelines, 2015. Collection method: clinical testing. Allele origin: germline.
Comment: The PDZD7 c.1717G>A variant is predicted to result in the amino acid substitution p.Glu573Lys. To our knowledge, this variant has not been reported in the literature or in a large population database (gnomAD), indicating this variant is rare. At this time, the clinical significance of this variant is uncertain due to the absence of conclusive functional and genetic evidence.